The following is an entry in ClinVar:

NM_000147.5(FUCA1):c.663-1G>C

Gene: FUCA1 (alpha-L-fucosidase 1; minus strand). Cytogenetic location: 1p36.11.
Variant type: single nucleotide variant.
Coding change: c.663-1G>C on transcript NM_000147.5 (MANE Select); the canonical splice acceptor site of the intron before coding-DNA position 663, G replaced by C.
Molecular consequence: splice acceptor variant.
Genome position (GRCh38, 1-based): chr1:23,859,904, C>G on the plus strand (G>C on the coding strand, the complement: FUCA1 is on the minus strand). VCF-style: chr1-23859904-C-G. GRCh37 (hg19) VCF-style: chr1-24186394-C-G.
Identifiers: ClinVar variation 3692698 (VCV003692698.2).

ClinVar aggregate classification (germline): Likely pathogenic (1 of 4 stars; one submission).

Conditions:
Fucosidosis. Also called: ALPHA-L-FUCOSIDASE DEFICIENCY. Identifiers: Orphanet 349, MedGen C0016788, MONDO:0009254, OMIM 230000.

gnomAD v4.1: 1 of 1,584,560 alleles (0.000063%); highest among the groups gnomAD compares: African/African-American, 0.0013%; no homozygotes.

Submission:

Labcorp Genetics (formerly Invitae), Labcorp
Classification: Likely pathogenic for Fucosidosis. Last evaluated: 2024-12-04. Review status: criteria provided, single submitter. Criteria: Invitae Variant Classification Sherloc (09022015). Collection method: clinical testing. Allele origin: germline.
Comment: This sequence change affects an acceptor splice site in intron 3 of the FUCA1 gene. It is expected to disrupt RNA splicing. Variants that disrupt the donor or acceptor splice site typically lead to a loss of protein function (PMID: 16199547), and loss-of-function variants in FUCA1 are known to be pathogenic (PMID: 10094192). This variant is not present in population databases (gnomAD no frequency). This variant has not been reported in the literature in individuals affected with FUCA1-related conditions. Algorithms developed to predict the effect of sequence changes on RNA splicing suggest that this variant may disrupt the consensus splice site. In summary, the currently available evidence indicates that the variant is pathogenic, but additional data are needed to prove that conclusively. Therefore, this variant has been classified as Likely Pathogenic.

Literature cited by the submitters: PubMed 16199547; PubMed 10094192.